The following is an entry in ClinVar:

ClinVar aggregate classification (germline): Uncertain significance. Review status: criteria provided, multiple submitters, no conflicts (2 of 4 stars). 2 submissions from 2 submitters: Uncertain significance (2). Last evaluated 2025-03-06.

Allele frequency attached by ClinVar (database versions not stated): gnomAD exomes 0.00001.
gnomAD v4.1: 3 of 1,604,756 alleles (0.00019%); highest among the groups gnomAD compares: Admixed American, 0.0051%; no homozygotes.

Submissions (2):

Labcorp Genetics (formerly Invitae), Labcorp
Classification: Uncertain significance. Last evaluated: 2025-03-06. Review status: criteria provided, single submitter. Criteria: Invitae Variant Classification Sherloc (09022015). Collection method: clinical testing. Allele origin: germline.
Comment: This sequence change replaces valine, which is neutral and non-polar, with leucine, which is neutral and non-polar, at codon 3593 of the HSPG2 protein (p.Val3593Leu). The frequency data for this variant in the population databases is considered unreliable, as metrics indicate poor data quality at this position in the gnomAD database. This variant has not been reported in the literature in individuals affected with HSPG2-related conditions. ClinVar contains an entry for this variant (Variation ID: 928664). An algorithm developed to predict the effect of missense changes on protein structure and function (PolyPhen-2) suggests that this variant is likely to be tolerated. In summary, the available evidence is currently insufficient to determine the role of this variant in disease. Therefore, it has been classified as a Variant of Uncertain Significance.

Women's Health and Genetics/Laboratory Corporation of America, LabCorp
Classification: Uncertain significance. Last evaluated: 2024-06-13. Review status: criteria provided, single submitter. Criteria: LabCorp Variant Classification Summary - May 2015. Collection method: clinical testing. Allele origin: germline.
Comment: Variant summary: HSPG2 c.10777G>C (p.Val3593Leu) results in a conservative amino acid change located in the immunoglobulin subtype 2 domain (repeat 22) (IPR003598) of the encoded protein sequence. Three of five in-silico tools predict a benign effect of the variant on protein function. The variant allele was found at a frequency of 1.3e-05 in 233052 control chromosomes. The available data on variant occurrences in the general population are insufficient to allow any conclusion about variant significance. To our knowledge, no occurrence of c.10777G>C in individuals affected with Schwartz Jampel Syndrome Type 1 and no experimental evidence demonstrating its impact on protein function have been reported. ClinVar contains an entry for this variant (Variation ID: 928664). Based on the evidence outlined above, the variant was classified as uncertain significance.

NM_005529.7(HSPG2):c.10777G>C (p.Val3593Leu)

Gene: HSPG2 (heparan sulfate proteoglycan 2; minus strand). Cytogenetic location: 1p36.12.
Variant type: single nucleotide variant.
Coding change: c.10777G>C on transcript NM_005529.7 (MANE Select); coding-DNA position 10777, G replaced by C.
Protein change: p.Val3593Leu; replaces valine 3593 with leucine.
Molecular consequence: missense variant.
Genome position (GRCh38, 1-based): chr1:21,833,869, C>G on the plus strand (G>C on the coding strand, the complement: HSPG2 is on the minus strand). VCF-style: chr1-21833869-C-G. GRCh37 (hg19) VCF-style: chr1-22160362-C-G.
Other names: c.10780G>C, p.Val3594Leu (NM_001291860.2); short protein forms V3593L, V3594L.
Identifiers: ClinVar variation 928664 (VCV000928664.4), dbSNP rs1342251864, ClinGen allele CA338908631.